The following is an entry in ClinVar:

ClinVar aggregate classification (germline): Uncertain significance (1 of 4 stars; one submission).

Conditions:
Adenylosuccinate lyase deficiency (ADSLD). Also called: ADSL DEFICIENCY. Identifiers: Orphanet 46, MedGen C0268126, MONDO:0007068, OMIM 103050.

Allele frequency attached by ClinVar (database versions not stated): TOPMed 0.00002; gnomAD 0.00007 and 0.00008.

Submission:

Labcorp Genetics (formerly Invitae), Labcorp
Classification: Uncertain significance for Adenylosuccinate lyase deficiency. Last evaluated: 2022-11-14. Review status: criteria provided, single submitter. Criteria: Invitae Variant Classification Sherloc (09022015). Collection method: clinical testing. Allele origin: germline.
Comment: In summary, the available evidence is currently insufficient to determine the role of this variant in disease. Therefore, it has been classified as a Variant of Uncertain Significance. Experimental studies and prediction algorithms are not available or were not evaluated, and the functional significance of this variant is currently unknown. This variant has not been reported in the literature in individuals affected with ADSL-related conditions. This variant is present in population databases (no rsID available, gnomAD 0.06%). This variant occurs in a non-coding region of the ADSL gene. It does not change the encoded amino acid sequence of the ADSL protein.

NC_000022.11:g.40346247A>G

Gene: ADSL (adenylosuccinate lyase; plus strand). Cytogenetic location: 22q13.1.
Variant type: single nucleotide variant.
Genome position: GRCh38 VCF-style: chr22-40346247-A-G. GRCh37 (hg19) VCF-style: chr22-40742251-A-G.
Identifiers: ClinVar variation 1419491 (VCV001419491.4), dbSNP rs1283422769, ClinGen allele CA639408300.